The following is an entry in ClinVar:

ClinVar aggregate classification (germline): Uncertain significance. Review status: criteria provided, multiple submitters, no conflicts (2 of 4 stars). 2 submissions from 2 submitters: Uncertain significance (2). Last evaluated 2025-06-23.

Conditions:
Arrhythmogenic cardiomyopathy with wooly hair and keratoderma. Also called: PALMOPLANTAR KERATODERMA WITH LEFT VENTRICULAR CARDIOMYOPATHY AND WOOLLY HAIR; Carvajal syndrome; Dilated cardiomyopathy with woolly hair and keratoderma; Arrhythmogenic cardiomyopathy with woolly hair and keratoderma. Identifiers: Orphanet 65282, MedGen C1854063, MONDO:0011581, OMIM 605676.
Cardiomyopathy (CMYO). Also called: Cardiomyopathies. Identifiers: Orphanet 167848, MedGen C0878544, MONDO:0004994, HP:0001638. Inheritance: Various modes of inheritance.

Submissions (2):

Color Diagnostics, LLC DBA Color Health
Classification: Uncertain significance for Cardiomyopathy. Last evaluated: 2025-06-23. Review status: criteria provided, single submitter. Criteria: ACMG Guidelines, 2015. Collection method: clinical testing. Allele origin: germline.
Comment: This missense variant replaces proline with serine at codon 2342 of the DSP protein. Computational prediction is inconclusive regarding the impact of this variant on protein structure and function. To our knowledge, functional studies have not been reported for this variant. This variant has not been reported in individuals affected with DSP-related disorders in the literature. This variant has not been identified in the general population by the Genome Aggregation Database (gnomAD). The available evidence is insufficient to determine the role of this variant in disease conclusively. Therefore, this variant is classified as a Variant of Uncertain Significance.

All of Us Research Program, National Institutes of Health
Classification: Uncertain significance for Arrhythmogenic cardiomyopathy with wooly hair and keratoderma. Last evaluated: 2023-05-16. Review status: criteria provided, single submitter. Criteria: ACMG Guidelines, 2015. Collection method: clinical testing. Allele origin: germline. Inheritance: Autosomal dominant inheritance. Observed: 1 variant allele, 1 heterozygote.
Comment: This missense variant replaces proline with serine at codon 2342 of the DSP protein. Computational prediction is inconclusive regarding the impact of this variant on protein structure and function (internally defined REVEL score threshold 0.5 < inconclusive < 0.7, PMID: 27666373). To our knowledge, functional studies have not been reported for this variant. This variant has not been reported in individuals affected with DSP-related disorders in the literature. This variant has not been identified in the general population by the Genome Aggregation Database (gnomAD). The available evidence is insufficient to determine the role of this variant in disease conclusively. Therefore, this variant is classified as a Variant of Uncertain Significance.

This study involves interpretation of variants in research participants for the purpose of population health screening. Participant phenotype was not available at the time of variant classification. Additional details can be found in publication PMID: 35346344, PMCID: PMC8962531

NM_004415.4(DSP):c.7024C>T (p.Pro2342Ser)

Gene: DSP (desmoplakin; plus strand). Cytogenetic location: 6p24.3.
Variant type: single nucleotide variant.
Coding change: c.7024C>T on transcript NM_004415.4 (MANE Select); coding-DNA position 7024, C replaced by T.
Protein change: p.Pro2342Ser; replaces proline 2342 with serine.
Molecular consequence: missense variant.
Genome position (GRCh38, 1-based): chr6:7,584,286, C>T. VCF-style: chr6-7584286-C-T. GRCh37 (hg19) VCF-style: chr6-7584519-C-T.
Other names: c.5227C>T, p.Pro1743Ser (NM_001008844.3); c.5695C>T, p.Pro1899Ser (NM_001319034.2); short protein forms P1743S, P1899S, P2342S.
Identifiers: ClinVar variation 3071080 (VCV003071080.2), dbSNP rs2533943547, ClinGen allele CA362692066.
Genomic context (GRCh38, chr6:7,584,286, plus strand): 5'-GGCATTGAGTTCAAAGAGAAGCTCCTGTCTGCAGAACGAGCTGTCACTGGGTATAATGAT[C>T]CTGAAACAGGAAACATCATCTCTTTGTTCCAAGCCATGAATAAGGAACTCATCGAAAAGG-3'
Protein context (NP_004406.2, residues 2332-2352): AERAVTGYND[Pro2342Ser]ETGNIISLFQ